The following is an entry in ClinVar:

ClinVar aggregate classification (germline): Likely benign (1 of 4 stars; one submission).

Conditions:
SH2B1-related disorder. Also called: SH2B1-related condition.

gnomAD v4.1: 2 of 1,614,042 alleles (0.00012%); highest among the groups gnomAD compares: African/African-American, 0.0027%; no homozygotes.

Submission:

PreventionGenetics, part of Exact Sciences
Classification: Likely benign for SH2B1-related condition. Last evaluated: 2024-11-06. Review status: criteria provided, single submitter. Criteria: ACMG Guidelines, 2015. Collection method: clinical testing. Allele origin: germline.
Comment: This variant is classified as likely benign based on ACMG/AMP sequence variant interpretation guidelines (Richards et al. 2015 PMID: 25741868, with internal and published modifications).

NM_001387430.1(SH2B1):c.1218C>T (p.Ser406=)

Gene: SH2B1 (SH2B adaptor protein 1; plus strand). Cytogenetic location: 16p11.2.
Variant type: single nucleotide variant.
Coding change: c.1218C>T on transcript NM_001387430.1 (MANE Select); coding-DNA position 1218, C replaced by T.
Protein change: p.Ser406=; no amino-acid change (serine 406 retained).
Molecular consequence: synonymous variant.
Genome position (GRCh38, 1-based): chr16:28,869,292, C>T. VCF-style: chr16-28869292-C-T. GRCh37 (hg19) VCF-style: chr16-28880613-C-T.
Other names: c.1218C>T, p.Ser406= (NM_001145795.2, NM_001145796.2, NM_001145797.2 and 4 more transcripts); c.210C>T, p.Ser70= (NM_001308294.2).
Identifiers: ClinVar variation 4999957 (VCV004999957.1).